The following is an entry in ClinVar:

ClinVar aggregate classification (germline): Uncertain significance (1 of 4 stars; one submission).

Conditions:
Arrhythmogenic right ventricular dysplasia 8 (ARVD8). Also called: ARRHYTHMOGENIC RIGHT VENTRICULAR DYSPLASIA, FAMILIAL, 8; ARRHYTHMOGENIC RIGHT VENTRICULAR CARDIOMYOPATHY 8; Arrhythmogenic Right Ventricular Dysplasia/Cardiomyopathy 8. Identifiers: MedGen C1843896, MONDO:0011831, OMIM 607450.
Arrhythmogenic cardiomyopathy with wooly hair and keratoderma. Also called: Dilated cardiomyopathy with woolly hair and keratoderma; PALMOPLANTAR KERATODERMA WITH LEFT VENTRICULAR CARDIOMYOPATHY AND WOOLLY HAIR; Carvajal syndrome; Arrhythmogenic cardiomyopathy with woolly hair and keratoderma. Identifiers: Orphanet 65282, MedGen C1854063, MONDO:0011581, OMIM 605676.

Allele frequency attached by ClinVar (database versions not stated): gnomAD exomes below 0.00001; TOPMed 0.00001.
gnomAD v4.1: 1 of 1,614,190 alleles (0.000062%); highest among the groups gnomAD compares: African/African-American, 0.0013%; no homozygotes.

Submission:

Labcorp Genetics (formerly Invitae), Labcorp
Classification: Uncertain significance for Arrhythmogenic cardiomyopathy with wooly hair and keratoderma; Arrhythmogenic right ventricular dysplasia 8. Last evaluated: 2025-12-19. Review status: criteria provided, single submitter. Criteria: Invitae Variant Classification Sherloc (09022015). Collection method: clinical testing. Allele origin: germline.
Comment: This sequence change replaces aspartic acid, which is acidic and polar, with glycine, which is neutral and non-polar, at codon 2535 of the DSP protein (p.Asp2535Gly). This variant is not present in population databases (gnomAD no frequency). This missense change has been observed in individual(s) with clinical features of DSP-related conditions (PMID: 35348702). ClinVar contains an entry for this variant (Variation ID: 852629). An algorithm developed to predict the effect of missense changes on protein structure and function (PolyPhen-2) suggests that this variant is likely to be tolerated. In summary, the available evidence is currently insufficient to determine the role of this variant in disease. Therefore, it has been classified as a Variant of Uncertain Significance.

Literature cited by the submitters: PubMed 35348702.

NM_004415.4(DSP):c.7604A>G (p.Asp2535Gly)

Gene: DSP (desmoplakin; plus strand). Cytogenetic location: 6p24.3.
Variant type: single nucleotide variant.
Coding change: c.7604A>G on transcript NM_004415.4 (MANE Select); coding-DNA position 7604, A replaced by G.
Protein change: p.Asp2535Gly; replaces aspartic acid 2535 with glycine.
Molecular consequence: missense variant.
Genome position (GRCh38, 1-based): chr6:7,584,866, A>G. VCF-style: chr6-7584866-A-G. GRCh37 (hg19) VCF-style: chr6-7585099-A-G.
Other names: c.5807A>G, p.Asp1936Gly (NM_001008844.3); c.6275A>G, p.Asp2092Gly (NM_001319034.2); short protein forms D2092G, D1936G, D2535G.
Identifiers: ClinVar variation 852629 (VCV000852629.13), dbSNP rs1759583033, ClinGen allele CA362693377.
Genomic context (GRCh38, chr6:7,584,866, plus strand): 5'-CCAGGGTGGTCCTGGTAGATAGAAAGACAGGCAGTCAGTATGATATTCAAGATGCTATTG[A>G]CAAGGGCCTTGTTGACAGGAAGTTCTTTGATCAGTACCGATCCGGCAGCCTCAGCCTCAC-3'
Protein context (NP_004406.2, residues 2525-2545): GSQYDIQDAI[Asp2535Gly]KGLVDRKFFD